The following is an entry in ClinVar:

NM_002230.4(JUP):c.533C>T (p.Ala178Val)

Gene: JUP (junction plakoglobin; minus strand). Cytogenetic location: 17q21.2.
Variant type: single nucleotide variant.
Coding change: c.533C>T on transcript NM_002230.4 (MANE Select); coding-DNA position 533, C replaced by T.
Protein change: p.Ala178Val; replaces alanine 178 with valine.
Molecular consequence: missense variant.
Genome position (GRCh38, 1-based): chr17:41,769,143, G>A on the plus strand (C>T on the coding strand, the complement: JUP is on the minus strand). VCF-style: chr17-41769143-G-A. GRCh37 (hg19) VCF-style: chr17-39925395-G-A.
Other names: c.533C>T, p.Ala178Val (NM_001352773.2, NM_001352774.2, NM_001352775.2 and 3 more transcripts); short protein forms A178V.
Identifiers: ClinVar variation 1355773 (VCV001355773.9), dbSNP rs781976753, ClinGen allele CA8565449.

ClinVar aggregate classification (germline): Uncertain significance. Review status: criteria provided, multiple submitters, no conflicts (2 of 4 stars). 5 submissions from 5 submitters: Uncertain significance (5). Last evaluated 2025-12-09.

Conditions:
Cardiovascular phenotype. Identifiers: MedGen CN230736.
Naxos disease (NXD). Also called: KERATOSIS PALMOPLANTARIS WITH ARRHYTHMOGENIC CARDIOMYOPATHY; MAL DE NAXOS; CARDIOMYOPATHY, ARRHYTHMOGENIC RIGHT VENTRICULAR, WITH SKIN, HAIR, AND NAIL ABNORMALITIES; PALMOPLANTAR KERATODERMA WITH ARRHYTHMOGENIC RIGHT VENTRICULAR CARDIOMYOPATHY AND WOOLLY HAIR; WOOLLY HAIR, PALMOPLANTAR KERATODERMA, AND CARDIAC ABNORMALITIES. Identifiers: Orphanet 34217, MedGen C1832600, MONDO:0011017, OMIM 601214.
Arrhythmogenic right ventricular dysplasia 12. Also called: ARRHYTHMOGENIC RIGHT VENTRICULAR DYSPLASIA, FAMILIAL, 12. Identifiers: MedGen C1969081, MONDO:0012684, OMIM 611528.

Allele frequency attached by ClinVar (database versions not stated): ExAC 0.00001; gnomAD 0.00002; gnomAD exomes 0.00002; TOPMed 0.00002.
gnomAD v4.1: 106 of 1,607,706 alleles (0.0066%); highest among the groups gnomAD compares: Non-Finnish European, 0.0084%; no homozygotes.

Submissions (5):

Labcorp Genetics (formerly Invitae), Labcorp
Classification: Uncertain significance for Arrhythmogenic right ventricular dysplasia 12; Naxos disease. Last evaluated: 2025-12-09. Review status: criteria provided, single submitter. Criteria: Invitae Variant Classification Sherloc (09022015). Collection method: clinical testing. Allele origin: germline.
Comment: This sequence change replaces alanine, which is neutral and non-polar, with valine, which is neutral and non-polar, at codon 178 of the JUP protein (p.Ala178Val). This variant is present in population databases (rs781976753, gnomAD 0.003%). This variant has not been reported in the literature in individuals affected with JUP-related conditions. ClinVar contains an entry for this variant (Variation ID: 1355773). An algorithm developed to predict the effect of missense changes on protein structure and function (PolyPhen-2) suggests that this variant is likely to be tolerated. In summary, the available evidence is currently insufficient to determine the role of this variant in disease. Therefore, it has been classified as a Variant of Uncertain Significance.

Women's Health and Genetics/Laboratory Corporation of America, LabCorp
Classification: Uncertain significance. Last evaluated: 2025-11-10. Review status: criteria provided, single submitter. Criteria: LabCorp Variant Classification Summary - May 2015. Collection method: clinical testing. Allele origin: germline.

GeneDx
Classification: Uncertain significance. Last evaluated: 2025-01-10. Review status: criteria provided, single submitter. Criteria: GeneDx Variant Classification Process June 2021. Collection method: clinical testing. Allele origin: germline. Affected: yes.
Comment: Has not been previously published as pathogenic or benign to our knowledge; In silico analysis supports that this missense variant has a deleterious effect on protein structure/function; Not observed at significant frequency in large population cohorts (gnomAD)

Ambry Genetics
Classification: Uncertain significance for Cardiovascular phenotype. Last evaluated: 2023-12-26. Review status: criteria provided, single submitter. Criteria: Ambry Variant Classification Scheme 2023. Collection method: clinical testing. Allele origin: germline.
Comment: The p.A178V variant (also known as c.533C>T), located in coding exon 3 of the JUP gene, results from a C to T substitution at nucleotide position 533. The alanine at codon 178 is replaced by valine, an amino acid with similar properties. This amino acid position is conserved. In addition, the in silico prediction for this alteration is inconclusive. Since supporting evidence is limited at this time, the clinical significance of this alteration remains unclear.

Fulgent Genetics
Classification: Uncertain significance for Naxos disease; Arrhythmogenic right ventricular dysplasia 12. Last evaluated: 2021-12-21. Review status: criteria provided, single submitter. Criteria: ACMG Guidelines, 2015. Collection method: clinical testing. Allele origin: unknown.